The following is an entry in ClinVar:

NM_003482.4(KMT2D):c.3343T>C (p.Phe1115Leu)

Gene: KMT2D (lysine methyltransferase 2D; minus strand). Cytogenetic location: 12q13.12.
Variant type: single nucleotide variant.
Coding change: c.3343T>C on transcript NM_003482.4 (MANE Select); coding-DNA position 3343, T replaced by C.
Protein change: p.Phe1115Leu; replaces phenylalanine 1115 with leucine.
Molecular consequence: missense variant.
Genome position (GRCh38, 1-based): chr12:49,050,245, A>G on the plus strand (T>C on the coding strand, the complement: KMT2D is on the minus strand). VCF-style: chr12-49050245-A-G. GRCh37 (hg19) VCF-style: chr12-49444028-A-G.
Other names: c.3343T>C (NM_003482.3); short protein forms F1115L.
Identifiers: ClinVar variation 284538 (VCV000284538.11), dbSNP rs886042898, ClinGen allele CA10604832.

ClinVar aggregate classification (germline): Uncertain significance. Review status: criteria provided, multiple submitters, no conflicts (2 of 4 stars). 3 submissions from 3 submitters: Uncertain significance (3). Last evaluated 2025-04-22.

Conditions:
Kabuki syndrome. Also called: NIIKAWA-KUROKI SYNDROME; Kabuki make-up syndrome. Identifiers: Orphanet 2322, MedGen C0796004, MONDO:0016512.

Submissions (3):

Labcorp Genetics (formerly Invitae), Labcorp
Classification: Uncertain significance for Kabuki syndrome. Last evaluated: 2025-04-22. Review status: criteria provided, single submitter. Criteria: Invitae Variant Classification Sherloc (09022015). Collection method: clinical testing. Allele origin: germline.
Comment: This sequence change replaces phenylalanine, which is neutral and non-polar, with leucine, which is neutral and non-polar, at codon 1115 of the KMT2D protein (p.Phe1115Leu). This variant is not present in population databases (gnomAD no frequency). This variant has not been reported in the literature in individuals affected with KMT2D-related conditions. ClinVar contains an entry for this variant (Variation ID: 284538). Invitae Evidence Modeling of protein sequence and biophysical properties (such as structural, functional, and spatial information, amino acid conservation, physicochemical variation, residue mobility, and thermodynamic stability) indicates that this missense variant is not expected to disrupt KMT2D protein function with a negative predictive value of 95%. In summary, the available evidence is currently insufficient to determine the role of this variant in disease. Therefore, it has been classified as a Variant of Uncertain Significance.

Revvity Omics, Revvity
Classification: Uncertain significance. Last evaluated: 2020-06-02. Review status: criteria provided, single submitter. Criteria: ACMG Guidelines, 2015. Collection method: clinical testing. Allele origin: germline.

Eurofins Ntd Llc (ga)
Classification: Uncertain significance. Last evaluated: 2015-11-16. Review status: criteria provided, single submitter. Criteria: EGL Classification Definitions 2015. Collection method: clinical testing. Allele origin: germline. Observed: 2 variant alleles, 2 heterozygotes.